The following is an entry in ClinVar:

ClinVar aggregate classification (germline): Pathogenic/Likely pathogenic. Review status: criteria provided, multiple submitters, no conflicts (2 of 4 stars). 2 submissions from 2 submitters: Pathogenic (1); Likely pathogenic (1). Last evaluated 2025-05-04.

Conditions:
Inborn genetic diseases. Identifiers: MedGen C0950123, MeSH D030342.
Radio-Tartaglia syndrome. Identifiers: Orphanet 662234, MedGen C5543339, MONDO:0859143, OMIM 619312.

Submissions (2):

Clinical Genomics Laboratory, Washington University in St. Louis
Classification: Likely pathogenic for Radio-Tartaglia syndrome. Last evaluated: 2025-05-04. Review status: criteria provided, single submitter. Criteria: ACMG Guidelines, 2015. Collection method: clinical testing. Allele origin: germline. Affected: yes.
Comment: The SPEN c.6641del (p.Glu2214Glyfs*139) variant, to our knowledge, has not been reported in the medical literature. This variant has been reported in the ClinVar database as a pathogenic variant by one submitter. This variant is absent from the general population (gnomAD v.4.1.), indicating it is not a common variant. This variant causes a frameshift by deleting one nucleotide, leading to a premature termination codon, which is predicted to lead to nonsense mediated decay. Additional truncating variants surrounding this variant are also observed in affected individuals with Radio-Tartaglia syndrome (Radio FC et al., PMID: 33596411). Based on available information and the ACMG/AMP guidelines for variant interpretation (Richards S et al., PMID: 25741868), this variant is classified as likely pathogenic.

Ambry Genetics
Classification: Pathogenic for Inborn genetic diseases. Last evaluated: 2021-12-17. Review status: criteria provided, single submitter. Criteria: Ambry Variant Classification Scheme 2023. Collection method: clinical testing. Allele origin: germline.
Comment: The c.6641delA (p.E2214Gfs*139) alteration, located in exon 11 (coding exon 11) of the SPEN gene, consists of a deletion of one nucleotide at position 6641, causing a translational frameshift with a predicted alternate stop codon after 139 amino acids. This alteration is expected to result in loss of function by premature protein truncation or nonsense-mediated mRNA decay. This variant was not reported in population-based cohorts in the Genome Aggregation Database (gnomAD). Based on the available evidence, this alteration is classified as pathogenic.

NM_015001.3(SPEN):c.6641del (p.Glu2214fs)

Gene: SPEN (spen family transcriptional repressor; plus strand). Cytogenetic location: 1p36.13.
Variant type: Deletion.
Coding change: c.6641del on transcript NM_015001.3 (MANE Select); coding-DNA position 6641, one base deleted (A; older notation c.6641delA).
Protein change: p.Glu2214fs; shifts the reading frame from glutamic acid 2214.
Molecular consequence: frameshift variant.
Genome position (GRCh38, 1-based): chr1:15,932,881, A deleted. VCF-style (leftmost placement, unchanged base first): chr1-15932880-GA-G. GRCh37 (hg19) VCF-style: chr1-16259375-GA-G.
Other names: short protein forms E2214fs.
Identifiers: ClinVar variation 2225967 (VCV002225967.3), dbSNP rs2523086867, ClinGen allele CA2580060766.
Genomic context (GRCh38, chr1:15,932,880, plus strand): 5'-GCACCAGAGGGCCTTGCCCCAGAGGACAGGGACAAGCCTGCACACCAAGCAAGTGAAACA[GA>G]GCTGGCTGCGGCCATCGGCTCCATCATCAATGACATTTCTGGGGAGCCAGAAAACTTCCC-3'